The following is an entry in ClinVar:

ClinVar aggregate classification (germline): Uncertain significance (0 of 4 stars; one submission).

Conditions:
KIDINS220-related disorder. Also called: KIDINS220-related condition.

gnomAD v4.1: 1 of 1,607,406 alleles (0.000062%); no homozygotes.

Submission:

PreventionGenetics, part of Exact Sciences
Classification: Uncertain significance for KIDINS220-related condition. Last evaluated: 2024-04-13. Review status: no assertion criteria provided. Collection method: clinical testing. Allele origin: germline.
Comment: The KIDINS220 c.1610A>G variant is predicted to result in the amino acid substitution p.Tyr537Cys. To our knowledge, this variant has not been reported in the literature or in a large population database, indicating this variant is rare. At this time, the clinical significance of this variant is uncertain due to the absence of conclusive functional and genetic evidence.

NM_020738.4(KIDINS220):c.1610A>G (p.Tyr537Cys)

Gene: KIDINS220 (kinase D interacting substrate 220; minus strand). Cytogenetic location: 2p25.1.
Variant type: single nucleotide variant.
Coding change: c.1610A>G on transcript NM_020738.4 (MANE Select); coding-DNA position 1610, A replaced by G.
Protein change: p.Tyr537Cys; replaces tyrosine 537 with cysteine.
Molecular consequence: missense variant. On other transcripts: non-coding transcript variant (2).
Genome position (GRCh38, 1-based): chr2:8,789,891, T>C on the plus strand (A>G on the coding strand, the complement: KIDINS220 is on the minus strand). VCF-style: chr2-8789891-T-C. GRCh37 (hg19) VCF-style: chr2-8930021-T-C.
Other names: c.1613A>G, p.Tyr538Cys (NM_001348729.2, NM_001348731.2, NM_001348734.2 and 3 more transcripts); c.1610A>G, p.Tyr537Cys (NM_001348732.2, NM_001348735.2, NM_001348738.2 and 3 more transcripts); c.1484A>G, p.Tyr495Cys (NM_001348736.2); short protein forms Y495C, Y537C, Y538C.
Identifiers: ClinVar variation 3345647 (VCV003345647.1).